The following is an entry in ClinVar:

NM_001008703.4(SMIM29):c.*55C>T

Gene: SMIM29 (small integral membrane protein 29; minus strand). Cytogenetic location: 6p21.31.
Variant type: single nucleotide variant.
Coding change: c.*55C>T on transcript NM_001008703.4 (MANE Select); 55 bases downstream of the stop codon, C replaced by T.
Molecular consequence: 3 prime UTR variant. On other transcripts: non-coding transcript variant (2).
Genome position (GRCh38, 1-based): chr6:34,246,748, G>A on the plus strand (C>T on the coding strand, the complement: SMIM29 is on the minus strand). VCF-style: chr6-34246748-G-A. GRCh37 (hg19) VCF-style: chr6-34214525-G-A.
Other names: c.*55C>T (NM_001008704.4, NM_001287396.3, NM_178508.6).
Identifiers: ClinVar variation 2656504 (VCV002656504.24), dbSNP rs141610597, ClinGen allele CA3764668.

ClinVar aggregate classification (germline): Likely benign (1 of 4 stars; one submission).

Allele frequency attached by ClinVar (database versions not stated): 1000 Genomes Project 0.00160; ExAC 0.00432; gnomAD 0.00484; TOPMed 0.00500; ESP Exome Variant Server 0.00600; gnomAD exomes 0.00660.
gnomAD v4.1: 10,428 of 1,613,620 alleles (0.65%); highest among the groups gnomAD compares: Non-Finnish European, 0.76%; 42 homozygotes.

Submission:

CeGaT Center for Human Genetics Tuebingen
Classification: Likely benign. Last evaluated: 2023-03-01. Review status: criteria provided, single submitter. Criteria: CeGaT Center For Human Genetics Tuebingen Variant Classification Criteria Version 2. Collection method: clinical testing. Allele origin: germline. Affected: yes. Observed: 2 variant alleles.
Comment: SMIM29: BS2